The following is an entry in ClinVar:

NM_198253.3(TERT):c.838G>C (p.Glu280Gln)

Gene: TERT (telomerase reverse transcriptase; minus strand). Cytogenetic location: 5p15.33.
Variant type: single nucleotide variant.
Coding change: c.838G>C on transcript NM_198253.3 (MANE Select); coding-DNA position 838, G replaced by C.
Protein change: p.Glu280Gln; replaces glutamic acid 280 with glutamine.
Molecular consequence: missense variant. On other transcripts: non-coding transcript variant (2).
Genome position (GRCh38, 1-based): chr5:1,294,048, C>G on the plus strand (G>C on the coding strand, the complement: TERT is on the minus strand). VCF-style: chr5-1294048-C-G. GRCh37 (hg19) VCF-style: chr5-1294163-C-G.
Other names: c.838G>C, p.Glu280Gln (NM_001193376.3); short protein forms E280Q.
Identifiers: ClinVar variation 3455149 (VCV003455149.1).

ClinVar aggregate classification (germline): Uncertain significance (1 of 4 stars; one submission).

Conditions:
Dyskeratosis congenita. Identifiers: Orphanet 1775, MedGen C0265965, MONDO:0015780.

Submission:

Ambry Genetics
Classification: Uncertain significance for Dyskeratosis congenita. Last evaluated: 2024-10-12. Review status: criteria provided, single submitter. Criteria: Ambry Variant Classification Scheme 2023. Collection method: clinical testing. Allele origin: germline.
Comment: The p.E280Q variant (also known as c.838G>C), located in coding exon 2 of the TERT gene, results from a G to C substitution at nucleotide position 838. The glutamic acid at codon 280 is replaced by glutamine, an amino acid with highly similar properties. This amino acid position is conserved. In addition, this alteration is predicted to be tolerated by in silico analysis. Based on the available evidence, the clinical significance of this variant remains unclear.